The following is an entry in ClinVar:

NM_018834.6(MATR3):c.1929G>C (p.Gln643His)

Genes: MATR3 (matrin 3; plus strand), LOC126807526 (CDK7 strongly-dependent group 2 enhancer GRCh37_chr5:138657767-138658966; plus strand). Cytogenetic location: 5q31.2.
Variant type: single nucleotide variant.
Coding change: c.1929G>C on transcript NM_018834.6 (MANE Select); coding-DNA position 1929, G replaced by C.
Protein change: p.Gln643His; replaces glutamine 643 with histidine.
Molecular consequence: missense variant.
Genome position (GRCh38, 1-based): chr5:139,322,748, G>C. VCF-style: chr5-139322748-G-C. GRCh37 (hg19) VCF-style: chr5-138658437-G-C.
Other names: c.1929G>C, p.Gln643His (NM_001194954.2, NM_001194955.2, NM_199189.3); c.1065G>C, p.Gln355His (NM_001194956.2); c.915G>C, p.Gln305His (NM_001282278.2); short protein forms Q355H, Q305H, Q643H.
Identifiers: ClinVar variation 1399904 (VCV001399904.6), dbSNP rs553655919, ClinGen allele CA361143902.

ClinVar aggregate classification (germline): Uncertain significance (1 of 4 stars; one submission).

Conditions:
Amyotrophic lateral sclerosis type 21. Also called: VOCAL CORD AND PHARYNGEAL DYSFUNCTION WITH DISTAL MYOPATHY; MYOPATHY, DISTAL, 2. Identifiers: Orphanet 600, Orphanet 803, MedGen C3807521, MONDO:0011632, OMIM 606070.

gnomAD v4.1: 2 of 1,614,170 alleles (0.00012%); highest among the groups gnomAD compares: Admixed American, 0.0033%; no homozygotes.

Submission:

Labcorp Genetics (formerly Invitae), Labcorp
Classification: Uncertain significance for Amyotrophic lateral sclerosis type 21. Last evaluated: 2024-08-31. Review status: criteria provided, single submitter. Criteria: Invitae Variant Classification Sherloc (09022015). Collection method: clinical testing. Allele origin: germline.
Comment: This sequence change replaces glutamine, which is neutral and polar, with histidine, which is basic and polar, at codon 643 of the MATR3 protein (p.Gln643His). This variant is present in population databases (no rsID available, gnomAD 0.006%). This variant has not been reported in the literature in individuals affected with MATR3-related conditions. ClinVar contains an entry for this variant (Variation ID: 1399904). Invitae Evidence Modeling of protein sequence and biophysical properties (such as structural, functional, and spatial information, amino acid conservation, physicochemical variation, residue mobility, and thermodynamic stability) indicates that this missense variant is not expected to disrupt MATR3 protein function with a negative predictive value of 80%. In summary, the available evidence is currently insufficient to determine the role of this variant in disease. Therefore, it has been classified as a Variant of Uncertain Significance.